The following is an entry in ClinVar:

ClinVar aggregate classification (germline): Benign/Likely benign. Review status: criteria provided, multiple submitters, no conflicts (2 of 4 stars). 11 submissions from 11 submitters: Benign (3); Likely benign (5). 3 of the submissions do not count toward it. Last evaluated 2026-04-01.

Conditions:
Orofaciodigital syndrome type 14. Also called: Orofaciodigital syndrome xiv. Identifiers: Orphanet 434179, MedGen C4706604, MONDO:0014413, OMIM 615948.
C2CD3-related disorder. Also called: C2CD3-related condition.
Inborn genetic diseases. Identifiers: MedGen C0950123, MeSH D030342.

Allele frequency attached by ClinVar (database versions not stated): 1000 Genomes Project 0.00140; 1000 Genomes Project 30x 0.00187; TOPMed 0.00324; ExAC 0.00352; gnomAD 0.00372 and 0.00365; ESP Exome Variant Server 0.00485; gnomAD exomes 0.00587 and 0.00364.
gnomAD v4.1: 8,923 of 1,604,348 alleles (0.56%); highest among the groups gnomAD compares: Non-Finnish European, 0.71%; 29 homozygotes.

Submissions (11):

CeGaT Center for Human Genetics Tuebingen
Classification: Likely benign. Last evaluated: 2026-04-01. Review status: criteria provided, single submitter. Criteria: CeGaT Center For Human Genetics Tuebingen Variant Classification Criteria Version 2. Collection method: clinical testing. Allele origin: germline. Affected: yes. Observed: 4 variant alleles.
Comment: C2CD3: BP4, BS2

Labcorp Genetics (formerly Invitae), Labcorp
Classification: Likely benign. Last evaluated: 2026-02-04. Review status: criteria provided, single submitter. Criteria: Invitae Variant Classification Sherloc (09022015). Collection method: clinical testing. Allele origin: germline.

Blueprint Genetics
Classification: Likely benign. Last evaluated: 2024-11-13. Review status: criteria provided, single submitter. Criteria: ACMG Guidelines, 2015. Collection method: clinical testing. Allele origin: germline.

Daryl Scott Lab, Baylor College of Medicine
Classification: Benign for Orofaciodigital syndrome type 14. Last evaluated: 2023-11-10. Review status: criteria provided, single submitter. Criteria: ACMG Guidelines, 2015. Collection method: clinical testing. Allele origin: biparental.

Ambry Genetics
Classification: Likely benign for Inborn genetic diseases. Last evaluated: 2021-12-03. Review status: criteria provided, single submitter. Criteria: Ambry Variant Classification Scheme 2023. Collection method: clinical testing. Allele origin: germline.

Centre for Mendelian Genomics, University Medical Centre Ljubljana
Classification: Benign for Orofaciodigital syndrome type 14. Last evaluated: 2018-11-08. Review status: criteria provided, single submitter. Criteria: ACMG Guidelines, 2015. Collection method: clinical testing. Allele origin: unknown. Affected: yes.
Comment: This variant was classified as: Benign. The following ACMG criteria were applied in classifying this variant: BS1,BS2.

Institute for Genomic Medicine (IGM) Clinical Laboratory, Nationwide Children's Hospital
Classification: Benign. Last evaluated: 2017-05-16. Review status: criteria provided, single submitter. Criteria: ACMG Guidelines, 2015. Collection method: clinical testing. Allele origin: germline.
Comment: BS1, BS2; This alteration has an allele frequency that is greater than expected for the associated disease, and was seen in a healthy adult where full penetrance of the disorder is expected at an early age.

Breakthrough Genomics
Classification: Likely benign. Review status: criteria provided, single submitter. Criteria: ACMG Guidelines, 2015. Collection method: not provided. Allele origin: germline. Inheritance: Autosomal recessive inheritance. Affected: yes.

PreventionGenetics, part of Exact Sciences
Classification: Likely benign for C2CD3-related condition. Last evaluated: 2019-06-27. Review status: no assertion criteria provided. Collection method: clinical testing. Allele origin: germline. Not counted in ClinVar's aggregate classification.
Comment: This variant is classified as likely benign based on ACMG/AMP sequence variant interpretation guidelines (Richards et al. 2015 PMID: 25741868, with internal and published modifications).

Diagnostic Laboratory, Department of Genetics, University Medical Center Groningen
Classification: Likely benign. Review status: no assertion criteria provided. Collection method: clinical testing. Allele origin: germline. Affected: yes. Study: VKGL Data-share Consensus. Not counted in ClinVar's aggregate classification.

Laboratory of Diagnostic Genome Analysis, Leiden University Medical Center (LUMC)
Classification: Likely benign. Review status: no assertion criteria provided. Collection method: clinical testing. Allele origin: germline. Affected: yes. Study: VKGL Data-share Consensus. Not counted in ClinVar's aggregate classification.

NM_001286577.2(C2CD3):c.704C>T (p.Pro235Leu)

Gene: C2CD3 (C2 domain containing 3 centriole elongation regulator; minus strand). Cytogenetic location: 11q13.4.
Variant type: single nucleotide variant.
Coding change: c.704C>T on transcript NM_001286577.2 (MANE Select); coding-DNA position 704, C replaced by T.
Protein change: p.Pro235Leu; replaces proline 235 with leucine.
Molecular consequence: missense variant.
Genome position (GRCh38, 1-based): chr11:74,139,608, G>A on the plus strand (C>T on the coding strand, the complement: C2CD3 is on the minus strand). VCF-style: chr11-74139608-G-A. GRCh37 (hg19) VCF-style: chr11-73850653-G-A.
Other names: c.704C>T, p.Pro235Leu (NM_015531.6); c.704C>T (NM_015531.4); short protein forms P235L.
Identifiers: ClinVar variation 599461 (VCV000599461.49), dbSNP rs149910292, ClinGen allele CA6183166.